The following is an entry in ClinVar:

ClinVar aggregate classification (germline): Pathogenic/Likely pathogenic. Review status: criteria provided, multiple submitters, no conflicts (2 of 4 stars). 3 submissions from 3 submitters: Pathogenic (1); Likely pathogenic (2). Last evaluated 2021-05-18.

Conditions:
Atrophia bulborum hereditaria (ND). Also called: EPISKOPI BLINDNESS; Norrie Disease (Classic Norrie Disease Ocular Phenotype with or without Extraocular Findings; Pseudoglioma; Norrie syndrome; Norrie-Warburg syndrome; Anderson-Warburg syndrome. Identifiers: Orphanet 649, MedGen C0266526, MONDO:0010691, OMIM 310600, HP:6000262.

Submissions (3):

Laboratorio de Genetica e Diagnostico Molecular, Hospital Israelita Albert Einstein
Classification: Likely pathogenic for Atrophia bulborum hereditaria. Last evaluated: 2021-05-18. Review status: criteria provided, single submitter. Criteria: ACMG Guidelines, 2015. Collection method: clinical testing. Allele origin: germline. Affected: yes.
Comment: ACMG classification criteria: PVS1 strong, PM2 moderate

GeneDx
Classification: Likely pathogenic. Last evaluated: 2018-05-18. Review status: criteria provided, single submitter. Criteria: GeneDx Variant Classification (06012015). Collection method: clinical testing. Allele origin: germline. Affected: yes.
Comment: The L52X variant has not been published as a pathogenic variant, nor has it been reported as a benign variant to our knowledge. The L52X variant is not observed in large population cohorts (Lek et al., 2016). The L52X nonsense variant in the NDP gene is predicted to cause loss of normal protein function through protein truncation. Specifically, the last 82 amino acids are predicted to be lost. Therefore, this variant is likely pathogenic

Eurofins Ntd Llc (ga)
Classification: Pathogenic. Last evaluated: 2015-12-21. Review status: criteria provided, single submitter. Criteria: EGL Classification Definitions 2015. Collection method: clinical testing. Allele origin: germline. Observed: 1 variant allele, 1 hemizygote.

NM_000266.4(NDP):c.155T>A (p.Leu52Ter)

Genes: NDP (norrin cystine knot growth factor NDP; minus strand), NDP-AS1 (NDP antisense RNA 1; plus strand). Cytogenetic location: Xp11.3.
Variant type: single nucleotide variant.
Coding change: c.155T>A on transcript NM_000266.4 (MANE Select); coding-DNA position 155, T replaced by A.
Protein change: p.Leu52Ter; replaces leucine 52 with a stop codon.
Molecular consequence: nonsense.
Genome position (GRCh38, 1-based): chrX:43,958,491, A>T on the plus strand (T>A on the coding strand, the complement: NDP is on the minus strand). VCF-style: chrX-43958491-A-T. GRCh37 (hg19) VCF-style: chrX-43817737-A-T.
Other names: short protein forms L52*.
Identifiers: ClinVar variation 285413 (VCV000285413.8), dbSNP rs886043097, ClinGen allele CA10605104.
Genomic context (GRCh38, chrX:43,958,491, plus strand): 5'-TTCTGAGGGAAATGCTCTCCTCACAGAGACCTTGGTCTTACCTTTGAGCTACACTTGTAC[A>T]ATGGGTGACTGATAGAATCCACATAGTGGTGCCTCATGCAGCGTCGAGGGTCCGAGTCCA-3'